The following is an entry in ClinVar:

ClinVar aggregate classification (germline): Uncertain significance. Review status: criteria provided, multiple submitters, no conflicts (2 of 4 stars). 2 submissions from 2 submitters: Uncertain significance (2). Last evaluated 2025-05-30.

Conditions:
Early-infantile DEE. Also called: Early infantile epileptic encephalopathy; Ohtahara syndrome; Early infantile epileptic encephalopathy with suppression bursts. Identifiers: Orphanet 1934, MedGen C0393706, MONDO:0800491.
Inborn genetic diseases. Identifiers: MedGen C0950123, MeSH D030342.

Submissions (2):

Ambry Genetics
Classification: Uncertain significance for Inborn genetic diseases. Last evaluated: 2025-05-30. Review status: criteria provided, single submitter. Criteria: Ambry Variant Classification Scheme 2023. Collection method: clinical testing. Allele origin: germline.

Labcorp Genetics (formerly Invitae), Labcorp
Classification: Uncertain significance for Early-infantile DEE. Last evaluated: 2025-01-30. Review status: criteria provided, single submitter. Criteria: Invitae Variant Classification Sherloc (09022015). Collection method: clinical testing. Allele origin: germline.
Comment: This sequence change replaces methionine, which is neutral and non-polar, with threonine, which is neutral and polar, at codon 1511 of the SCN1A protein (p.Met1511Thr). This variant is not present in population databases (gnomAD no frequency). This variant has not been reported in the literature in individuals affected with SCN1A-related conditions. Invitae Evidence Modeling of protein sequence and biophysical properties (such as structural, functional, and spatial information, amino acid conservation, physicochemical variation, residue mobility, and thermodynamic stability) indicates that this missense variant is expected to disrupt SCN1A protein function with a positive predictive value of 95%. In summary, the available evidence is currently insufficient to determine the role of this variant in disease. Therefore, it has been classified as a Variant of Uncertain Significance.

NM_001165963.4(SCN1A):c.4532T>C (p.Met1511Thr)

Genes: SCN1A (sodium voltage-gated channel alpha subunit 1; minus strand), LOC102724058 (uncharacterized LOC102724058; plus strand). Cytogenetic location: 2q24.3.
Variant type: single nucleotide variant.
Coding change: c.4532T>C on transcript NM_001165963.4 (MANE Select); coding-DNA position 4532, T replaced by C.
Protein change: p.Met1511Thr; replaces methionine 1511 with threonine.
Molecular consequence: missense variant. On other transcripts: non-coding transcript variant (1).
Genome position (GRCh38, 1-based): chr2:165,996,062, A>G on the plus strand (T>C on the coding strand, the complement: SCN1A is on the minus strand). VCF-style: chr2-165996062-A-G. GRCh37 (hg19) VCF-style: chr2-166852572-A-G.
Other names: c.4448T>C, p.Met1483Thr (NM_001165964.3, NM_001353957.2, NM_001353958.2); c.4532T>C, p.Met1511Thr (NM_001202435.3, NM_001353948.2); c.4499T>C, p.Met1500Thr (NM_001353949.2, NM_001353950.2, NM_001353951.2 and 2 more transcripts); c.4496T>C, p.Met1499Thr (NM_001353954.2, NM_001353955.2); c.4445T>C, p.Met1482Thr (NM_001353960.2); c.2090T>C, p.Met697Thr (NM_001353961.2); c.4532T>C (NM_001165963.1); short protein forms M1482T, M1483T, M1500T, M1511T, M1499T, M697T.
Identifiers: ClinVar variation 3634010 (VCV003634010.3).